The following is an entry in ClinVar:

NM_181703.4(GJA5):c.725G>T (p.Arg242Leu)

Genes: GJA5 (gap junction protein alpha 5; minus strand), LOC122128420 (Sharpr-MPRA regulatory region 3144; plus strand). Cytogenetic location: 1q21.2.
Variant type: single nucleotide variant.
Coding change: c.725G>T on transcript NM_181703.4 (MANE Select); coding-DNA position 725, G replaced by T.
Protein change: p.Arg242Leu; replaces arginine 242 with leucine.
Molecular consequence: missense variant.
Genome position (GRCh38, 1-based): chr1:147,758,514, C>A on the plus strand (G>T on the coding strand, the complement: GJA5 is on the minus strand). VCF-style: chr1-147758514-C-A. GRCh37 (hg19) VCF-style: chr1-147230622-C-A.
Other names: c.725G>T, p.Arg242Leu (NM_005266.7); short protein forms R242L.
Identifiers: ClinVar variation 1402461 (VCV001402461.8), dbSNP rs906244249, ClinGen allele CA342394912.

ClinVar aggregate classification (germline): Uncertain significance (1 of 4 stars; one submission).

Conditions:
Atrial standstill 1 (ATRST1). Also called: ATRIAL CARDIOMYOPATHY WITH HEART BLOCK; CARDIOMYOPATHY, FAMILIAL, WITH CONDUCTION DISTURBANCE; Atrial standstill, digenic (GJA5/SCN5A). Identifiers: Orphanet 1344, MedGen C4551959, MONDO:0007171, OMIM 108770.
Atrial fibrillation, familial, 11 (ATFB11). Identifiers: MedGen C3279693, MONDO:0013544, OMIM 614049.

Allele frequency attached by ClinVar (database versions not stated): gnomAD 0.00001.

Submission:

Labcorp Genetics (formerly Invitae), Labcorp
Classification: Uncertain significance for Atrial fibrillation, familial, 11; Atrial standstill 1. Last evaluated: 2025-02-03. Review status: criteria provided, single submitter. Criteria: Invitae Variant Classification Sherloc (09022015). Collection method: clinical testing. Allele origin: germline.
Comment: This sequence change replaces arginine, which is basic and polar, with leucine, which is neutral and non-polar, at codon 242 of the GJA5 protein (p.Arg242Leu). This variant is present in population databases (no rsID available, gnomAD 0.007%). This variant has not been reported in the literature in individuals affected with GJA5-related conditions. ClinVar contains an entry for this variant (Variation ID: 1402461). Invitae Evidence Modeling of protein sequence and biophysical properties (such as structural, functional, and spatial information, amino acid conservation, physicochemical variation, residue mobility, and thermodynamic stability) indicates that this missense variant is not expected to disrupt GJA5 protein function with a negative predictive value of 80%. In summary, the available evidence is currently insufficient to determine the role of this variant in disease. Therefore, it has been classified as a Variant of Uncertain Significance.